The following is an entry in ClinVar:

NM_000329.3(RPE65):c.1069_1080del (p.Ala357_Ala360del)

Gene: RPE65 (retinoid isomerohydrolase RPE65; minus strand). Cytogenetic location: 1p31.3.
Variant type: Deletion.
Coding change: c.1069_1080del on transcript NM_000329.3 (MANE Select); coding-DNA positions 1069 to 1080, 12 bases deleted (GCCAGAAAGGCT).
Protein change: p.Ala357_Ala360del.
Molecular consequence: inframe deletion.
Genome position (GRCh38, 1-based): chr1:68,438,235-68,438,246, AGCCTTTCTGGC deleted on the plus strand (GCCAGAAAGGCT on the coding strand, the reverse complement: RPE65 is on the minus strand); deleting any 12 consecutive bases within chr1:68,438,235-68,438,247 gives the same sequence; the c. name uses the placement nearest the transcript's 3' end. VCF-style (leftmost placement, unchanged base first): chr1-68438234-GAGCCTTTCTGGC-G. GRCh37 (hg19) VCF-style: chr1-68903917-GAGCCTTTCTGGC-G.
Other names: c.961_972del, p.Ala321_Ala324del (NM_001406853.1); c.793_804del, p.Ala265_Ala268del (NM_001406856.1, NM_001406857.1); c.1069_1080del, p.Ala357_Ala360del (NM_001406859.1).
Identifiers: ClinVar variation 4818165 (VCV004818165.1).

ClinVar aggregate classification (germline): Likely pathogenic (1 of 4 stars; one submission).

Conditions:
Leber congenital amaurosis (LCA). Also called: Leber's amaurosis. Identifiers: Orphanet 65, MedGen C0339527, MeSH D057130, MONDO:0018998.

Submission:

Natera, Inc.
Classification: Likely pathogenic for Leber congenital amaurosis. Last evaluated: 2025-06-06. Review status: criteria provided, single submitter. Criteria: Natera Variant Classification Schema (03/2026). Collection method: clinical testing. Allele origin: germline.
Comment: The c.1069_1080del variant in RPE65 is an in-frame deletione. This variant is rare in the general population with a frequency below the threshold expected for the associated phenotype(s). This variant has been observed in one or more individuals affected with the associated recessive disease, as either homozygous or compound heterozygous with a second variant (PMID: 34830511). This variant has been identified in one or more affected individuals with a phenotype highly consistent with the associated gene (PMID: 34830511). This variant results in a change to the protein length while preserving reading frame, which may disrupt normal protein structure or function. Given the available evidence, this variant is classified as Likely Pathogenic.

Literature cited by the submitters: PubMed 34830511.